The following is an entry in ClinVar:

ClinVar aggregate classification (germline): Uncertain significance (1 of 4 stars; one submission).

gnomAD v4.1: 6 of 1,614,040 alleles (0.00037%); highest among the groups gnomAD compares: Admixed American, 0.0033%; no homozygotes.

Submission:

Labcorp Genetics (formerly Invitae), Labcorp
Classification: Uncertain significance. Last evaluated: 2025-02-02. Review status: criteria provided, single submitter. Criteria: Invitae Variant Classification Sherloc (09022015). Collection method: clinical testing. Allele origin: germline.
Comment: This sequence change replaces arginine, which is basic and polar, with cysteine, which is neutral and slightly polar, at codon 571 of the TET2 protein (p.Arg571Cys). This variant is present in population databases (no rsID available, gnomAD 0.006%). This variant has not been reported in the literature in individuals affected with TET2-related conditions. An algorithm developed to predict the effect of missense changes on protein structure and function (PolyPhen-2) suggests that this variant is likely to be tolerated. In summary, the available evidence is currently insufficient to determine the role of this variant in disease. Therefore, it has been classified as a Variant of Uncertain Significance.

NM_001127208.3(TET2):c.1711C>T (p.Arg571Cys)

Genes: TET2 (tet methylcytosine dioxygenase 2; plus strand), TET2-AS1 (TET2 antisense RNA 1; minus strand). Cytogenetic location: 4q24.
Variant type: single nucleotide variant.
Coding change: c.1711C>T on transcript NM_001127208.3 (MANE Select); coding-DNA position 1711, C replaced by T.
Protein change: p.Arg571Cys; replaces arginine 571 with cysteine.
Molecular consequence: missense variant.
Genome position (GRCh38, 1-based): chr4:105,235,653, C>T. VCF-style: chr4-105235653-C-T. GRCh37 (hg19) VCF-style: chr4-106156810-C-T.
Other names: c.1711C>T, p.Arg571Cys (NM_017628.4); short protein forms R571C.
Identifiers: ClinVar variation 3618718 (VCV003618718.2).
Genomic context (GRCh38, chr4:105,235,653, plus strand): 5'-GATCTTGTGCCCCCAACACAGCACTATCTGAAACCAGGATGGATTGAATTGAAGGCCCCT[C>T]GTTTTCACCAAGCGGAATCCCATCTAAAACGTAATGAGGCATCACTGCCATCAATTCTTC-3'
Protein context (NP_001120680.1, residues 561-581): KPGWIELKAP[Arg571Cys]FHQAESHLKR